The following is an entry in ClinVar:

ClinVar aggregate classification (germline): Likely benign. Review status: criteria provided, multiple submitters, no conflicts (2 of 4 stars). 7 submissions from 7 submitters: Likely benign (4). 3 of the submissions do not count toward it. Last evaluated 2026-02-02.

Conditions:
C8A-related disorder. Also called: C8A-related condition.

Allele frequency attached by ClinVar (database versions not stated): 1000 Genomes Project 30x 0.00109; 1000 Genomes Project 0.00140; ESP Exome Variant Server 0.00185; ExAC 0.00223; gnomAD exomes 0.00237 and 0.00293; TOPMed 0.00237; gnomAD 0.00245 and 0.00251.

Submissions (7):

Labcorp Genetics (formerly Invitae), Labcorp
Classification: Likely benign. Last evaluated: 2026-02-02. Review status: criteria provided, single submitter. Criteria: Invitae Variant Classification Sherloc (09022015). Collection method: clinical testing. Allele origin: germline.

Women's Health and Genetics/Laboratory Corporation of America, LabCorp
Classification: Likely benign. Last evaluated: 2026-01-29. Review status: criteria provided, single submitter. Criteria: LabCorp Variant Classification Summary - May 2015. Collection method: clinical testing. Allele origin: germline.
Comment: Variant summary: C8A c.385G>A (p.Asp129Asn) results in a conservative amino acid change in the encoded protein sequence. Algorithms developed to predict the effect of missense changes on protein structure and function are either unavailable or do not agree on the potential impact of this missense change. The variant allele was found at a frequency of 0.0024 in 250836 control chromosomes, predominantly at a frequency of 0.0035 within the Non-Finnish European subpopulation in the gnomAD database. The observed variant frequency within Non-Finnish European control individuals in the gnomAD database exceeds the estimated maximal expected allele frequency for disease-causing variants in C8A. c.385G>A has been observed in the simple heterozygous state in at least 1 individual(s) affected with immunodeficiency. These report(s) do not provide unequivocal conclusions about association of the variant with Type I complement component 8 deficiency. To our knowledge, no experimental evidence demonstrating an impact on protein function has been reported. The following publications have been ascertained in the context of this evaluation (PMID: 37771589, 35511137, 29148534, 31681265).ClinVar contains an entry for this variant (Variation ID: 444168). Based on the evidence outlined above, the variant was classified as likely benign.

CeGaT Center for Human Genetics Tuebingen
Classification: Likely benign. Last evaluated: 2025-07-01. Review status: criteria provided, single submitter. Criteria: CeGaT Center For Human Genetics Tuebingen Variant Classification Criteria Version 2. Collection method: clinical testing. Allele origin: germline. Affected: yes. Observed: 2 variant alleles.
Comment: C8A: BS2

Blueprint Genetics
Classification: Likely benign. Last evaluated: 2024-11-25. Review status: criteria provided, single submitter. Criteria: ACMG Guidelines, 2015. Collection method: clinical testing. Allele origin: germline.

PreventionGenetics, part of Exact Sciences
Classification: Likely benign for C8A-related condition. Last evaluated: 2023-04-10. Review status: no assertion criteria provided. Collection method: clinical testing. Allele origin: germline. Not counted in ClinVar's aggregate classification.
Comment: This variant is classified as likely benign based on ACMG/AMP sequence variant interpretation guidelines (Richards et al. 2015 PMID: 25741868, with internal and published modifications).

Clinical Genetics DNA and cytogenetics Diagnostics Lab, Erasmus MC, Erasmus Medical Center
Classification: Likely benign. Review status: no assertion criteria provided. Collection method: clinical testing. Allele origin: germline. Affected: yes. Study: VKGL Data-share Consensus. Not counted in ClinVar's aggregate classification.

Diagnostic Laboratory, Department of Genetics, University Medical Center Groningen
Classification: Likely benign. Review status: no assertion criteria provided. Collection method: clinical testing. Allele origin: germline. Affected: yes. Study: VKGL Data-share Consensus. Not counted in ClinVar's aggregate classification.

Literature cited by the submitters: PubMed 31681265 (cited by Women's Health and Genetics/Laboratory Corporation of America, LabCorp); PubMed 29148534 (cited by Women's Health and Genetics/Laboratory Corporation of America, LabCorp); PubMed 37771589 (cited by Women's Health and Genetics/Laboratory Corporation of America, LabCorp); PubMed 35511137 (cited by Women's Health and Genetics/Laboratory Corporation of America, LabCorp).

NM_000562.3(C8A):c.385G>A (p.Asp129Asn)

Gene: C8A (complement C8 alpha chain; plus strand). Cytogenetic location: 1p32.2.
Variant type: single nucleotide variant.
Coding change: c.385G>A on transcript NM_000562.3 (MANE Select); coding-DNA position 385, G replaced by A.
Protein change: p.Asp129Asn; replaces aspartic acid 129 with asparagine.
Molecular consequence: missense variant.
Genome position (GRCh38, 1-based): chr1:56,876,130, G>A. VCF-style: chr1-56876130-G-A. GRCh37 (hg19) VCF-style: chr1-57341803-G-A.
Other names: c.385G>A (NM_000562.2); short protein forms D129N.
Identifiers: ClinVar variation 444168 (VCV000444168.57), dbSNP rs150404785, ClinGen allele CA875021.